The following is an entry in ClinVar:

ClinVar aggregate classification (germline): Benign/Likely benign. Review status: criteria provided, multiple submitters, no conflicts (2 of 4 stars). 4 submissions from 4 submitters: Benign (3); Likely benign (1). Last evaluated 2024-12-16.

Allele frequency attached by ClinVar (database versions not stated): ESP Exome Variant Server 0.02409; gnomAD 0.03107 and 0.02608; 1000 Genomes Project 30x 0.06512; gnomAD exomes 0.03309 and 0.04658; TOPMed 0.03041; 1000 Genomes Project 0.06869; ExAC 0.08199.
gnomAD v4.1: 50,284 of 1,528,466 alleles (3.3%); highest among the groups gnomAD compares: East Asian, 20%; 2,047 homozygotes.

Submissions (4):

Mayo Clinic Laboratories, Mayo Clinic
Classification: Likely benign. Last evaluated: 2024-12-16. Review status: criteria provided, single submitter. Criteria: ACMG Guidelines, 2015. Collection method: clinical testing. Allele origin: germline. Observed: 32 variant alleles.
Comment: BA1, BP4, BP7

Eurofins Ntd Llc (ga)
Classification: Benign. Last evaluated: 2015-09-04. Review status: criteria provided, single submitter. Criteria: EGL Classification Definitions 2015. Collection method: clinical testing. Allele origin: germline. Observed: 1 variant allele, 1 heterozygote.

Breakthrough Genomics
Classification: Benign. Review status: criteria provided, single submitter. Criteria: ACMG Guidelines, 2015. Collection method: not provided. Allele origin: germline. Inheritance: Autosomal recessive inheritance. Affected: yes.

PreventionGenetics, part of Exact Sciences
Classification: Benign. Review status: criteria provided, single submitter. Criteria: ACMG Guidelines, 2015. Collection method: clinical testing. Allele origin: germline.

NM_001206979.2(NR1H4):c.-1G>T

Gene: NR1H4 (nuclear receptor subfamily 1 group H member 4; plus strand). Cytogenetic location: 12q23.1.
Variant type: single nucleotide variant.
Coding change: c.-1G>T on transcript NM_001206979.2 (MANE Select); 1 bases upstream of the start codon, G replaced by T.
Molecular consequence: 5 prime UTR variant. On other transcripts: non-coding transcript variant (1).
Genome position (GRCh38, 1-based): chr12:100,493,323, G>T. VCF-style: chr12-100493323-G-T. GRCh37 (hg19) VCF-style: chr12-100887101-G-T.
Other names: c.-1G>T (NM_001206977.2, NM_001206978.2, NM_005123.4).
Identifiers: ClinVar variation 259641 (VCV000259641.8), dbSNP rs56163822, ClinGen allele CA6739105.